The following is an entry in ClinVar:

ClinVar aggregate classification (germline): Uncertain significance (1 of 4 stars; one submission).

Conditions:
Glycogen storage disease, type VI (GSD6). Also called: Glycogen storage disease type 6; Hepatic glycogen phosphorylase deficiency; Glycogen storage disease type 6, due to phosphorylation; GSD VI; HERS DISEASE; PHOSPHORYLASE DEFICIENCY GLYCOGEN-STORAGE DISEASE OF LIVER. Identifiers: Orphanet 369, MedGen C0017925, MONDO:0009294, OMIM 232700.

Submission:

Labcorp Genetics (formerly Invitae), Labcorp
Classification: Uncertain significance for Glycogen storage disease, type VI. Last evaluated: 2021-04-16. Review status: criteria provided, single submitter. Criteria: Invitae Variant Classification Sherloc (09022015). Collection method: clinical testing. Allele origin: germline.
Comment: In summary, the available evidence is currently insufficient to determine the role of this variant in disease. Therefore, it has been classified as a Variant of Uncertain Significance. Advanced modeling of protein sequence and biophysical properties (such as structural, functional, and spatial information, amino acid conservation, physicochemical variation, residue mobility, and thermodynamic stability) performed at Invitae indicates that this missense variant is expected to disrupt PYGL protein function. This variant has not been reported in the literature in individuals with PYGL-related conditions. This variant is not present in population databases (ExAC no frequency). This sequence change replaces glycine with arginine at codon 136 of the PYGL protein (p.Gly136Arg). The glycine residue is highly conserved and there is a moderate physicochemical difference between glycine and arginine.

NM_002863.5(PYGL):c.406G>C (p.Gly136Arg)

Gene: PYGL (glycogen phosphorylase L; minus strand). Cytogenetic location: 14q22.1.
Variant type: single nucleotide variant.
Coding change: c.406G>C on transcript NM_002863.5 (MANE Select); coding-DNA position 406, G replaced by C.
Protein change: p.Gly136Arg; replaces glycine 136 with arginine.
Molecular consequence: missense variant.
Genome position (GRCh38, 1-based): chr14:50,935,125, C>G on the plus strand (G>C on the coding strand, the complement: PYGL is on the minus strand). VCF-style: chr14-50935125-C-G. GRCh37 (hg19) VCF-style: chr14-51401843-C-G.
Other names: c.304G>C, p.Gly102Arg (NM_001163940.2); short protein forms G102R, G136R.
Identifiers: ClinVar variation 1517591 (VCV001517591.8), dbSNP rs2139194721, ClinGen allele CA389696781.